The following is an entry in ClinVar:

ClinVar aggregate classification (germline): Uncertain significance (1 of 4 stars; one submission).

Conditions:
Inborn genetic diseases. Identifiers: MedGen C0950123, MeSH D030342.

Allele frequency attached by ClinVar (database versions not stated): gnomAD exomes below 0.00001.
gnomAD v4.1: 1 of 1,570,850 alleles (0.000064%); highest among the groups gnomAD compares: Non-Finnish European, 0.000086%; no homozygotes.

Submission:

Ambry Genetics
Classification: Uncertain significance for Inborn genetic diseases. Last evaluated: 2023-03-30. Review status: criteria provided, single submitter. Criteria: Ambry Variant Classification Scheme 2023. Collection method: clinical testing. Allele origin: germline.
Comment: The p.A1960G variant (also known as c.5879C>G), located in coding exon 34 of the ATR gene, results from a C to G substitution at nucleotide position 5879. The alanine at codon 1960 is replaced by glycine, an amino acid with similar properties. This amino acid position is conserved. In addition, this alteration is predicted to be deleterious by in silico analysis. Since supporting evidence is limited at this time, the clinical significance of this alteration remains unclear.

NM_001184.4(ATR):c.5879C>G (p.Ala1960Gly)

Gene: ATR (ATR checkpoint kinase; minus strand). Cytogenetic location: 3q23.
Variant type: single nucleotide variant.
Coding change: c.5879C>G on transcript NM_001184.4 (MANE Select); coding-DNA position 5879, C replaced by G.
Protein change: p.Ala1960Gly; replaces alanine 1960 with glycine.
Molecular consequence: missense variant.
Genome position (GRCh38, 1-based): chr3:142,496,380, G>C on the plus strand (C>G on the coding strand, the complement: ATR is on the minus strand). VCF-style: chr3-142496380-G-C. GRCh37 (hg19) VCF-style: chr3-142215222-G-C.
Other names: c.5687C>G, p.Ala1896Gly (NM_001354579.2); short protein forms A1896G, A1960G.
Identifiers: ClinVar variation 2562507 (VCV002562507.2), dbSNP rs2031646920, ClinGen allele CA354813025.